The following is an entry in ClinVar:

ClinVar aggregate classification (germline): Uncertain significance (1 of 4 stars; one submission).

Allele frequency attached by ClinVar (database versions not stated): gnomAD exomes 0.00001; TOPMed 0.00001; ExAC 0.00002.
gnomAD v4.1: 11 of 1,614,172 alleles (0.00068%); highest among the groups gnomAD compares: Non-Finnish European, 0.00085%; no homozygotes.

Submission:

Ambry Genetics
Classification: Uncertain significance. Last evaluated: 2022-09-24. Review status: criteria provided, single submitter. Criteria: Ambry Variant Classification Scheme 2023. Collection method: clinical testing. Allele origin: germline.
Comment: The p.L1019P variant (also known as c.3056T>C), located in coding exon 27 of the IKBKAP gene, results from a T to C substitution at nucleotide position 3056. The leucine at codon 1019 is replaced by proline, an amino acid with similar properties. This amino acid position is conserved. In addition, this alteration is predicted to be deleterious by in silico analysis. Since supporting evidence is limited at this time, the clinical significance of this alteration remains unclear.

NM_003640.5(ELP1):c.3056T>C (p.Leu1019Pro)

Gene: ELP1 (elongator acetyltransferase complex subunit 1; minus strand). Cytogenetic location: 9q31.3.
Variant type: single nucleotide variant.
Coding change: c.3056T>C on transcript NM_003640.5 (MANE Select); coding-DNA position 3056, T replaced by C.
Protein change: p.Leu1019Pro; replaces leucine 1019 with proline.
Molecular consequence: missense variant.
Genome position (GRCh38, 1-based): chr9:108,891,307, A>G on the plus strand (T>C on the coding strand, the complement: ELP1 is on the minus strand). VCF-style: chr9-108891307-A-G. GRCh37 (hg19) VCF-style: chr9-111653587-A-G.
Other names: c.2714T>C, p.Leu905Pro (NM_001318360.2); c.2009T>C, p.Leu670Pro (NM_001330749.2); short protein forms L1019P, L670P, L905P.
Identifiers: ClinVar variation 1799964 (VCV001799964.2), dbSNP rs748522415, ClinGen allele CA5174445.